The following is an entry in ClinVar:

ClinVar aggregate classification (germline): Conflicting classifications of pathogenicity. Review status: criteria provided, conflicting classifications (1 of 4 stars). 3 submissions from 3 submitters: Uncertain significance (2); Likely benign (1). Last evaluated 2022-08-09.

Allele frequency attached by ClinVar (database versions not stated): TOPMed 0.00005.
gnomAD v4.1: 72 of 1,613,696 alleles (0.0045%); highest among the groups gnomAD compares: Non-Finnish European, 0.0056%; no homozygotes.

Submissions (3):

Labcorp Genetics (formerly Invitae), Labcorp
Classification: Uncertain significance. Last evaluated: 2022-08-09. Review status: criteria provided, single submitter. Criteria: Invitae Variant Classification Sherloc (09022015). Collection method: clinical testing. Allele origin: germline.
Comment: This sequence change replaces arginine, which is basic and polar, with glutamine, which is neutral and polar, at codon 191 of the CDH23 protein (p.Arg191Gln). This variant is present in population databases (rs372588663, gnomAD 0.004%). This variant has not been reported in the literature in individuals affected with CDH23-related conditions. ClinVar contains an entry for this variant (Variation ID: 434641). Algorithms developed to predict the effect of missense changes on protein structure and function output the following: SIFT: "Tolerated"; PolyPhen-2: "Not Available"; Align-GVGD: "Class C0". The glutamine amino acid residue is found in multiple mammalian species, which suggests that this missense change does not adversely affect protein function. In summary, the available evidence is currently insufficient to determine the role of this variant in disease. Therefore, it has been classified as a Variant of Uncertain Significance.

Laboratory for Molecular Medicine, Mass General Brigham Personalized Medicine
Classification: Likely benign. Last evaluated: 2020-06-04. Review status: criteria provided, single submitter. Criteria: LMM Criteria. Collection method: clinical testing. Allele origin: germline. Observed: 1 variant allele.
Comment: The p.Arg191Gln variant in CDH23 is classified as likely benign due to a lack of conservation across species. Five mammals (mouse, dolphin, killer whale, David's myotic, microbat, big brown bat) carry a glutamine (Gln) at this position despite high nearby amino acid conservation. ACMG/AMP Criteria applied: BP4_Strong.

Genetic Services Laboratory, University of Chicago
Classification: Uncertain significance. Last evaluated: 2016-08-25. Review status: criteria provided, single submitter. Criteria: ACMG Guidelines, 2015. Collection method: clinical testing. Allele origin: germline. Affected: no.

NM_022124.6(CDH23):c.572G>A (p.Arg191Gln)

Gene: CDH23 (cadherin related 23; plus strand). Cytogenetic location: 10q22.1.
Variant type: single nucleotide variant.
Coding change: c.572G>A on transcript NM_022124.6 (MANE Select); coding-DNA position 572, G replaced by A.
Protein change: p.Arg191Gln; replaces arginine 191 with glutamine.
Molecular consequence: missense variant.
Genome position (GRCh38, 1-based): chr10:71,566,884, G>A. VCF-style: chr10-71566884-G-A. GRCh37 (hg19) VCF-style: chr10-73326641-G-A.
Other names: c.572G>A, p.Arg191Gln (NM_001171930.2, NM_001171931.2, NM_001171932.2 and 1 more transcripts); short protein forms R191Q.
Identifiers: ClinVar variation 434641 (VCV000434641.12), dbSNP rs372588663, ClinGen allele CA5543476.